The following is an entry in ClinVar:

NM_000051.4(ATM):c.1538A>C (p.Gln513Pro)

Gene: ATM (ATM serine/threonine kinase; plus strand). Cytogenetic location: 11q22.3.
Variant type: single nucleotide variant.
Coding change: c.1538A>C on transcript NM_000051.4 (MANE Select); coding-DNA position 1538, A replaced by C.
Protein change: p.Gln513Pro; replaces glutamine 513 with proline.
Molecular consequence: missense variant.
Genome position (GRCh38, 1-based): chr11:108,251,003, A>C. VCF-style: chr11-108251003-A-C. GRCh37 (hg19) VCF-style: chr11-108121730-A-C.
Other names: c.1538A>C, p.Gln513Pro (NM_001351834.2); short protein forms Q513P.
Identifiers: ClinVar variation 495384 (VCV000495384.17), dbSNP rs753109010, ClinGen allele CA6264823.

ClinVar aggregate classification (germline): Uncertain significance. Review status: criteria provided, multiple submitters, no conflicts (2 of 4 stars). 4 submissions from 4 submitters: Uncertain significance (4). Last evaluated 2025-07-04.

Conditions:
Hereditary cancer-predisposing syndrome. Also called: Tumor predisposition; Hereditary neoplastic syndrome; Neoplastic Syndromes, Hereditary; Hereditary Cancer Syndrome. Identifiers: Orphanet 140162, MedGen C0027672, MeSH D009386, MONDO:0015356.
Ataxia-telangiectasia syndrome (AT). Also called: LOUIS-BAR SYNDROME; Cerebello-oculocutaneous telangiectasia; Immunodeficiency with ataxia telangiectasia; Ataxia-telangiectasia, complementation group D; AT, COMPLEMENTATION GROUP C; ATAXIA-TELANGIECTASIA, COMPLEMENTATION GROUP A. Identifiers: Orphanet 100, MedGen C0004135, MONDO:0008840, OMIM 208900.

Allele frequency attached by ClinVar (database versions not stated): ExAC 0.00001.
gnomAD v4.1: 1 of 1,614,204 alleles (0.000062%); highest among the groups gnomAD compares: Admixed American, 0.0017%; no homozygotes.

Submissions (4):

Ambry Genetics
Classification: Uncertain significance for Hereditary cancer-predisposing syndrome. Last evaluated: 2025-07-04. Review status: criteria provided, single submitter. Criteria: Ambry Variant Classification Scheme 2023. Collection method: clinical testing. Allele origin: germline.
Comment: The p.Q513P variant (also known as c.1538A>C), located in coding exon 9 of the ATM gene, results from an A to C substitution at nucleotide position 1538. The glutamine at codon 513 is replaced by proline, an amino acid with similar properties. This amino acid position is well conserved in available vertebrate species. In addition, the in silico prediction for this alteration is inconclusive. Since supporting evidence is limited at this time, the clinical significance of this alteration remains unclear.

Labcorp Genetics (formerly Invitae), Labcorp
Classification: Uncertain significance for Ataxia-telangiectasia syndrome. Last evaluated: 2025-06-22. Review status: criteria provided, single submitter. Criteria: Invitae Variant Classification Sherloc (09022015). Collection method: clinical testing. Allele origin: germline.
Comment: This sequence change replaces glutamine, which is neutral and polar, with proline, which is neutral and non-polar, at codon 513 of the ATM protein (p.Gln513Pro). This variant is present in population databases (rs753109010, gnomAD 0.003%). This variant has not been reported in the literature in individuals affected with ATM-related conditions. ClinVar contains an entry for this variant (Variation ID: 495384). Invitae Evidence Modeling of protein sequence and biophysical properties (such as structural, functional, and spatial information, amino acid conservation, physicochemical variation, residue mobility, and thermodynamic stability) indicates that this missense variant is not expected to disrupt ATM protein function with a negative predictive value of 95%. In summary, the available evidence is currently insufficient to determine the role of this variant in disease. Therefore, it has been classified as a Variant of Uncertain Significance.

GeneDx
Classification: Uncertain significance. Last evaluated: 2024-01-18. Review status: criteria provided, single submitter. Criteria: GeneDx Variant Classification Process June 2021. Collection method: clinical testing. Allele origin: germline. Affected: yes.
Comment: Not observed at significant frequency in large population cohorts (gnomAD); In silico analysis supports that this missense variant has a deleterious effect on protein structure/function; Has not been previously published as pathogenic or benign to our knowledge

Women's Health and Genetics/Laboratory Corporation of America, LabCorp
Classification: Uncertain significance. Last evaluated: 2016-04-01. Review status: criteria provided, single submitter. Criteria: LabCorp Variant Classification Summary - May 2015. Collection method: clinical testing. Allele origin: germline.
Comment: Variant summary: The c.1538A>C in ATM gene is a missense change that alters a conserved nucleotide and 4/5 in silico tools predict deleterious outcome. The variant was observed in the large and broad cohorts of the ExAC project at an allele frequency of 0.0008%. This frequency does not exceed the maximal expected allele frequency for a pathogenic variant in ATM gene (0.4%). The variant of interest has not, to our knowledge, been reported in AT or cancer patients via published reports or cited by reputable databases/diagnostic centers. Taking together, the variant was classified as VUS until more information becomes available.